The following is an entry in ClinVar:

ClinVar aggregate classification (germline): Pathogenic. Review status: criteria provided, multiple submitters, no conflicts (2 of 4 stars). 3 submissions from 3 submitters: Pathogenic (3). Last evaluated 2025-08-15.

Conditions:
USH2A-related disorder. Also called: USH2A-related condition; USH2A-related disorders. Identifiers: MedGen CN239332.
Usher syndrome type 2A. Also called: RETINAL DISEASE IN USHER SYNDROME TYPE IIA, MODIFIER OF; USHER SYNDROME, TYPE IIA. Identifiers: Orphanet 231178, Orphanet 886, MedGen C1848634, MONDO:0010169, OMIM 276901.
Retinitis pigmentosa 39 (RP39). Identifiers: Orphanet 791, MedGen C3151138, MONDO:0013436, OMIM 613809.

Submissions (3):

Myriad Genetics, Inc.
Classification: Pathogenic for USH2A-related disorder. Last evaluated: 2025-08-15. Review status: criteria provided, single submitter. Criteria: Myriad Autosomal Dominant, Autosomal Recessive and X-Linked Classification Criteria (2023). Collection method: clinical testing. Allele origin: unknown.
Comment: NM_206933.2(USH2A):c.13877_13880delAGAC(Q4626Pfs*7) is a frameshift variant classified as pathogenic in the context of USH2A-related disorders. Q4626Pfs*7 has been observed in a case with relevant disease (PMID: 32188678). Relevant functional assessments of this variant are not available in the literature. Q4626Pfs*7 has not been observed in referenced population frequency databases. In summary, NM_206933.2(USH2A):c.13877_13880delAGAC(Q4626Pfs*7) is a frameshift variant in a gene where loss of function is a known mechanism of disease, is predicted to disrupt protein function, and has been observed more frequently in cases with the relevant disease than in healthy populations. Please note: this variant was assessed in the context of healthy population screening.

Labcorp Genetics (formerly Invitae), Labcorp
Classification: Pathogenic. Last evaluated: 2022-09-13. Review status: criteria provided, single submitter. Criteria: Invitae Variant Classification Sherloc (09022015). Collection method: clinical testing. Allele origin: germline.
Comment: For these reasons, this variant has been classified as Pathogenic. This premature translational stop signal has been observed in individual(s) with Usher syndrome (PMID: 32188678). This variant is not present in population databases (gnomAD no frequency). This sequence change creates a premature translational stop signal (p.Gln4626Profs*7) in the USH2A gene. It is expected to result in an absent or disrupted protein product. Loss-of-function variants in USH2A are known to be pathogenic (PMID: 10729113, 10909849, 20507924, 25649381).

Juno Genomics, Hangzhou Juno Genomics, Inc
Classification: Pathogenic for Retinitis pigmentosa 39; Usher syndrome type 2A. Review status: criteria provided, single submitter. Criteria: ACMG Guidelines, 2015. Collection method: clinical testing. Allele origin: germline.
Comment: Absent from controls (or at extremely low frequency if recessive) in Genome Aggregation Database.;Null variant in a gene where loss of function (LOF) is a known mechanism of disease.;For recessive disorders, detected in trans with a pathogenic variant.

Literature cited by the submitters: PubMed 32188678 (cited by Myriad Genetics, Inc. and Labcorp Genetics (formerly Invitae), Labcorp); PubMed 10729113 (cited by Labcorp Genetics (formerly Invitae), Labcorp); PubMed 10909849 (cited by Labcorp Genetics (formerly Invitae), Labcorp); PubMed 20507924 (cited by Labcorp Genetics (formerly Invitae), Labcorp); PubMed 25649381 (cited by Labcorp Genetics (formerly Invitae), Labcorp).

NM_206933.4(USH2A):c.13877_13880del (p.Gln4626fs)

Gene: USH2A (usherin; minus strand). Cytogenetic location: 1q41.
Variant type: Deletion.
Coding change: c.13877_13880del on transcript NM_206933.4 (MANE Select); coding-DNA positions 13877 to 13880, 4 bases deleted (AGAC; older notation c.13877_13880delAGAC).
Protein change: p.Gln4626fs; shifts the reading frame from glutamine 4626.
Molecular consequence: frameshift variant.
Genome position (GRCh38, 1-based): chr1:215,671,225-215,671,228, GTCT deleted on the plus strand (AGAC on the coding strand, the reverse complement: USH2A is on the minus strand); deleting any 4 consecutive bases within chr1:215,671,225-215,671,230 gives the same sequence; the c. name uses the placement nearest the transcript's 3' end. VCF-style (leftmost placement, unchanged base first): chr1-215671224-GGTCT-G. GRCh37 (hg19) VCF-style: chr1-215844566-GGTCT-G.
Other names: short protein forms Q4626fs.
Identifiers: ClinVar variation 2086824 (VCV002086824.6), dbSNP rs2464881331, ClinGen allele CA2580062065.